The following is an entry in ClinVar:

ClinVar aggregate classification (germline): Uncertain significance (1 of 4 stars; one submission).

Conditions:
Dilated cardiomyopathy 1O (CMD1O). Also called: CARDIOMYOPATHY, DILATED, WITH VENTRICULAR TACHYCARDIA. Identifiers: Orphanet 154, MedGen C1837839, MONDO:0012062, OMIM 608569.

Submission:

Labcorp Genetics (formerly Invitae), Labcorp
Classification: Uncertain significance for Dilated cardiomyopathy 1O. Last evaluated: 2025-01-27. Review status: criteria provided, single submitter. Criteria: Invitae Variant Classification Sherloc (09022015). Collection method: clinical testing. Allele origin: germline.
Comment: This sequence change replaces glycine, which is neutral and non-polar, with arginine, which is basic and polar, at codon 50 of the ABCC9 protein (p.Gly50Arg). This variant is not present in population databases (gnomAD no frequency). This variant has not been reported in the literature in individuals affected with ABCC9-related conditions. Invitae Evidence Modeling of protein sequence and biophysical properties (such as structural, functional, and spatial information, amino acid conservation, physicochemical variation, residue mobility, and thermodynamic stability) indicates that this missense variant is expected to disrupt ABCC9 protein function with a positive predictive value of 95%. In summary, the available evidence is currently insufficient to determine the role of this variant in disease. Therefore, it has been classified as a Variant of Uncertain Significance.

NM_020297.4(ABCC9):c.148G>A (p.Gly50Arg)

Gene: ABCC9 (ATP binding cassette subfamily C member 9; minus strand). Cytogenetic location: 12p12.1.
Variant type: single nucleotide variant.
Coding change: c.148G>A on transcript NM_020297.4 (MANE Select); coding-DNA position 148, G replaced by A.
Protein change: p.Gly50Arg; replaces glycine 50 with arginine.
Molecular consequence: missense variant. On other transcripts: 5 prime UTR variant (1).
Genome position (GRCh38, 1-based): chr12:21,933,918, C>T on the plus strand (G>A on the coding strand, the complement: ABCC9 is on the minus strand). VCF-style: chr12-21933918-C-T. GRCh37 (hg19) VCF-style: chr12-22086852-C-T.
Other names: c.148G>A, p.Gly50Arg (NM_001377273.1, NM_005691.4); c.-307G>A (NM_001377274.1); short protein forms G50R.
Identifiers: ClinVar variation 4745820 (VCV004745820.1).